The following is an entry in ClinVar:

NM_000292.3(PHKA2):c.1397C>T (p.Ala466Val)

Gene: PHKA2 (phosphorylase kinase regulatory subunit alpha 2; minus strand). Cytogenetic location: Xp22.13.
Variant type: single nucleotide variant.
Coding change: c.1397C>T on transcript NM_000292.3 (MANE Select); coding-DNA position 1397, C replaced by T.
Protein change: p.Ala466Val; replaces alanine 466 with valine.
Molecular consequence: missense variant.
Genome position (GRCh38, 1-based): chrX:18,926,515, G>A on the plus strand (C>T on the coding strand, the complement: PHKA2 is on the minus strand). VCF-style: chrX-18926515-G-A. GRCh37 (hg19) VCF-style: chrX-18944633-G-A.
Other names: c.1397C>T, p.Ala466Val (NM_001440800.1, NM_001440801.1, NM_001440805.1); c.1298C>T, p.Ala433Val (NM_001440802.1, NM_001440803.1, NM_001440804.1); short protein forms A433V, A466V.
Identifiers: ClinVar variation 4709804 (VCV004709804.1).
Genomic context (GRCh38, chrX:18,926,515, plus strand): 5'-AGCTTGGCATATATGTGACTAAGAATCCGGCCCGGCTGGACTTGAATTGGATGAATGTCC[G>A]CGATACTCTGGACGTTCACCCCGTGTTTCCTCAATAAGTCCTTAATGTGATTGTTTTCTG-3'
Protein context (NP_000283.1, residues 456-476): RKHGVNVQSI[Ala466Val]DIHPIQVQPG

ClinVar aggregate classification (germline): Uncertain significance (1 of 4 stars; one submission).

Conditions:
Glycogen storage disease IXa1. Also called: LIVER GLYCOGENOSIS, X-LINKED, TYPE I; Glycogen storage disease 8; GLYCOGEN STORAGE DISEASE VIII; GSD VIII. Identifiers: Orphanet 264580, MedGen C3694531, MONDO:0010598, OMIM 306000.

gnomAD v4.1: 9 of 1,193,199 alleles (0.00075%); highest among the groups gnomAD compares: East Asian, 0.015%; no homozygotes.

Submission:

Labcorp Genetics (formerly Invitae), Labcorp
Classification: Uncertain significance for Glycogen storage disease IXa1. Last evaluated: 2025-09-10. Review status: criteria provided, single submitter. Criteria: Invitae Variant Classification Sherloc (09022015). Collection method: clinical testing. Allele origin: germline.
Comment: This sequence change replaces alanine, which is neutral and non-polar, with valine, which is neutral and non-polar, at codon 466 of the PHKA2 protein (p.Ala466Val). This variant is present in population databases (rs191267737, gnomAD 0.02%). This variant has not been reported in the literature in individuals affected with PHKA2-related conditions. Invitae Evidence Modeling of protein sequence and biophysical properties (such as structural, functional, and spatial information, amino acid conservation, physicochemical variation, residue mobility, and thermodynamic stability) has been performed for this missense variant. However, the output from this modeling did not meet the statistical confidence thresholds required to predict the impact of this variant on PHKA2 protein function. In summary, the available evidence is currently insufficient to determine the role of this variant in disease. Therefore, it has been classified as a Variant of Uncertain Significance.